The following is an entry in ClinVar:

ClinVar aggregate classification (germline): Conflicting classifications of pathogenicity. Review status: criteria provided, conflicting classifications (1 of 4 stars). 2 submissions from 2 submitters: Uncertain significance (1); Likely benign (1). Last evaluated 2020-01-18.

Conditions:
Inborn genetic diseases. Identifiers: MedGen C0950123, MeSH D030342.
Intellectual developmental disorder, autosomal dominant 6, with or without seizures. Also called: Intellectual disability, autosomal dominant 6; GRIN2B-related developmental delay, intellectual disability and autism spectrum disorder. Identifiers: Orphanet 589547, MedGen C3151411, MONDO:0013509, OMIM 613970.
Developmental and epileptic encephalopathy, 27 (DEE27). Also called: GRIN2B-Related Neurodevelopmental Disorder; Epileptic encephalopathy, early infantile, 27. Identifiers: Orphanet 3451, MedGen C4015316, MONDO:0014505, OMIM 616139.

Allele frequency attached by ClinVar (database versions not stated): gnomAD exomes 0.00001.
gnomAD v4.1: 3 of 1,611,752 alleles (0.00019%); highest among the groups gnomAD compares: South Asian, 0.0022%; no homozygotes.

Submissions (2):

Labcorp Genetics (formerly Invitae), Labcorp
Classification: Likely benign for Developmental and epileptic encephalopathy, 27; Intellectual developmental disorder, autosomal dominant 6, with or without seizures. Last evaluated: 2020-01-18. Review status: criteria provided, single submitter. Criteria: Invitae Variant Classification Sherloc (09022015). Collection method: clinical testing. Allele origin: germline.

Ambry Genetics
Classification: Uncertain significance for Inborn genetic diseases. Last evaluated: 2018-07-25. Review status: criteria provided, single submitter. Criteria: Ambry Variant Classification Scheme 2023. Collection method: clinical testing. Allele origin: germline.
Comment: The c.2011-5T>C intronic variant results from a T to C substitution 5 nucleotides upstream from coding exon 9 in the GRIN2B gene. This nucleotide position is well conserved in available vertebrate species. Using the BDGP and ESEfinder splice site prediction tools, this alteration is not predicted to have any significant effect on this splice acceptor/donor site; however, direct evidence is unavailable. Since supporting evidence is limited at this time, the clinical significance of this alteration remains unclear.

NM_000834.5(GRIN2B):c.2011-5T>C

Gene: GRIN2B (glutamate ionotropic receptor NMDA type subunit 2B; minus strand). Cytogenetic location: 12p13.1.
Variant type: single nucleotide variant.
Coding change: c.2011-5T>C on transcript NM_000834.5 (MANE Select); 5 bases into the intron before coding-DNA position 2011, T replaced by C.
Molecular consequence: intron variant.
Genome position (GRCh38, 1-based): chr12:13,571,969, A>G on the plus strand (T>C on the coding strand, the complement: GRIN2B is on the minus strand). VCF-style: chr12-13571969-A-G. GRCh37 (hg19) VCF-style: chr12-13724903-A-G.
Identifiers: ClinVar variation 1108739 (VCV001108739.13), dbSNP rs2136416046, ClinGen allele CA2499221568.